The following is an entry in ClinVar:

ClinVar aggregate classification (germline): Uncertain significance (1 of 4 stars; one submission).

Conditions:
Hereditary cancer-predisposing syndrome. Also called: Tumor predisposition; Hereditary neoplastic syndrome; Hereditary Cancer Syndrome; Neoplastic Syndromes, Hereditary. Identifiers: Orphanet 140162, MedGen C0027672, MeSH D009386, MONDO:0015356.

Submission:

Ambry Genetics
Classification: Uncertain significance for Hereditary cancer-predisposing syndrome. Last evaluated: 2025-04-13. Review status: criteria provided, single submitter. Criteria: Ambry Variant Classification Scheme 2023. Collection method: clinical testing. Allele origin: germline.
Comment: The p.Y362D variant (also known as c.1084T>G), located in coding exon 8 of the STK11 gene, results from a T to G substitution at nucleotide position 1084. The tyrosine at codon 362 is replaced by aspartic acid, an amino acid with highly dissimilar properties. This amino acid position is conserved. In addition, this alteration is predicted to be deleterious by in silico analysis. Based on the available evidence, the clinical significance of this variant remains unclear.

NM_000455.5(STK11):c.1084T>G (p.Tyr362Asp)

Genes: STK11 (serine/threonine kinase 11; plus strand), LOC130062899 (ATAC-STARR-seq lymphoblastoid active region 13597; plus strand). Cytogenetic location: 19p13.3.
Variant type: single nucleotide variant.
Coding change: c.1084T>G on transcript NM_000455.5 (MANE Select); coding-DNA position 1084, T replaced by G.
Protein change: p.Tyr362Asp; replaces tyrosine 362 with aspartic acid.
Molecular consequence: missense variant. On other transcripts: non-coding transcript variant (1).
Genome position (GRCh38, 1-based): chr19:1,223,148, T>G. VCF-style: chr19-1223148-T-G. GRCh37 (hg19) VCF-style: chr19-1223147-T-G.
Other names: c.1084T>G, p.Tyr362Asp (NM_001407255.1); short protein forms Y362D.
Identifiers: ClinVar variation 3963263 (VCV003963263.1).
Genomic context (GRCh38, chr19:1,223,148, plus strand): 5'-GAGGACCTGCACGGCGCGGACGAGGACGAGGACCTCTTCGACATCGAGGATGACATCATC[T>G]ACACTCAGGACTTCACGGTGCCCGGTGAGTCTGGCGGGGGCCCCTGCCCGGCTCTGCTGA-3'
Protein context (NP_000446.1, residues 352-372): DLFDIEDDII[Tyr362Asp]TQDFTVPGQV